The following is an entry in ClinVar:

NM_019096.5(GTPBP2):c.1632+3G>A

Gene: GTPBP2 (GTP binding protein 2; minus strand). Cytogenetic location: 6p21.1.
Variant type: single nucleotide variant.
Coding change: c.1632+3G>A on transcript NM_019096.5 (MANE Select); 3 bases into the intron after coding-DNA position 1632, G replaced by A.
Molecular consequence: intron variant.
Genome position (GRCh38, 1-based): chr6:43,622,000, C>T on the plus strand (G>A on the coding strand, the complement: GTPBP2 is on the minus strand). VCF-style: chr6-43622000-C-T. GRCh37 (hg19) VCF-style: chr6-43589737-C-T.
Other names: c.1368+3G>A (NM_001286216.2).
Identifiers: ClinVar variation 2026373 (VCV002026373.4), dbSNP rs112143094, ClinGen allele CA3827505.

ClinVar aggregate classification (germline): Uncertain significance (1 of 4 stars; one submission).

Allele frequency attached by ClinVar (database versions not stated): gnomAD exomes 0.00006; ExAC 0.00012.

Submission:

Labcorp Genetics (formerly Invitae), Labcorp
Classification: Uncertain significance. Last evaluated: 2022-11-08. Review status: criteria provided, single submitter. Criteria: Invitae Variant Classification Sherloc (09022015). Collection method: clinical testing. Allele origin: germline.
Comment: In summary, the available evidence is currently insufficient to determine the role of this variant in disease. Therefore, it has been classified as a Variant of Uncertain Significance. Variants that disrupt the consensus splice site are a relatively common cause of aberrant splicing (PMID: 17576681, 9536098). Algorithms developed to predict the effect of sequence changes on RNA splicing suggest that this variant is not likely to affect RNA splicing. This variant has not been reported in the literature in individuals affected with GTPBP2-related conditions. This variant is present in population databases (rs112143094, gnomAD 0.06%). This sequence change falls in intron 11 of the GTPBP2 gene. It does not directly change the encoded amino acid sequence of the GTPBP2 protein. It affects a nucleotide within the consensus splice site.

Literature cited by the submitters: PubMed 17576681; PubMed 9536098.